The following is an entry in ClinVar:

ClinVar aggregate classification (germline): Uncertain significance (1 of 4 stars; one submission).

Conditions:
Dilated cardiomyopathy 1J (CMD1J). Also called: CARDIOMYOPATHY, DILATED, WITH SENSORINEURAL HEARING LOSS, AUTOSOMAL DOMINANT. Identifiers: Orphanet 217622, MedGen C1854368, MONDO:0011541, OMIM 605362.

Submission:

Labcorp Genetics (formerly Invitae), Labcorp
Classification: Uncertain significance for Dilated cardiomyopathy 1J. Last evaluated: 2021-10-24. Review status: criteria provided, single submitter. Criteria: Invitae Variant Classification Sherloc (09022015). Collection method: clinical testing. Allele origin: germline.
Comment: In summary, the available evidence is currently insufficient to determine the role of this variant in disease. Therefore, it has been classified as a Variant of Uncertain Significance. Algorithms developed to predict the effect of missense changes on protein structure and function (SIFT, PolyPhen-2, Align-GVGD) all suggest that this variant is likely to be tolerated. This variant has not been reported in the literature in individuals affected with EYA4-related conditions. This variant is not present in population databases (ExAC no frequency). This sequence change replaces aspartic acid with glutamic acid at codon 365 of the EYA4 protein (p.Asp365Glu). The aspartic acid residue is highly conserved and there is a small physicochemical difference between aspartic acid and glutamic acid.

NM_004100.5(EYA4):c.1095T>G (p.Asp365Glu)

Gene: EYA4 (EYA transcriptional coactivator and phosphatase 4; plus strand). Cytogenetic location: 6q23.2.
Variant type: single nucleotide variant.
Coding change: c.1095T>G on transcript NM_004100.5 (MANE Select); coding-DNA position 1095, T replaced by G.
Protein change: p.Asp365Glu; replaces aspartic acid 365 with glutamic acid.
Molecular consequence: missense variant.
Genome position (GRCh38, 1-based): chr6:133,481,587, T>G. VCF-style: chr6-133481587-T-G. GRCh37 (hg19) VCF-style: chr6-133802725-T-G.
Other names: c.933T>G, p.Asp311Glu (NM_001301012.2); c.1113T>G, p.Asp371Glu (NM_001301013.2); c.1026T>G, p.Asp342Glu (NM_001370458.1, NM_172103.4); c.951T>G, p.Asp317Glu (NM_001370459.1); c.1095T>G, p.Asp365Glu (NM_172105.4); short protein forms D317E, D371E, D311E, D342E, D365E.
Identifiers: ClinVar variation 1499147 (VCV001499147.6), dbSNP rs779806687, ClinGen allele CA365706559.